The following is an entry in ClinVar:

ClinVar aggregate classification (germline): Likely pathogenic (1 of 4 stars; one submission).

Submission:

Labcorp Genetics (formerly Invitae), Labcorp
Classification: Likely pathogenic. Last evaluated: 2022-11-22. Review status: criteria provided, single submitter. Criteria: Invitae Variant Classification Sherloc (09022015). Collection method: clinical testing. Allele origin: germline.
Comment: In summary, the currently available evidence indicates that the variant is pathogenic, but additional data are needed to prove that conclusively. Therefore, this variant has been classified as Likely Pathogenic. Algorithms developed to predict the effect of sequence changes on RNA splicing suggest that this variant may disrupt the consensus splice site. ClinVar contains an entry for this variant (Variation ID: 1476484). This variant has not been reported in the literature in individuals affected with LARP7-related conditions. This variant is not present in population databases (gnomAD no frequency). This sequence change affects a donor splice site in intron 5 of the LARP7 gene. It is expected to disrupt RNA splicing. Variants that disrupt the donor or acceptor splice site typically lead to a loss of protein function (PMID: 16199547), and loss-of-function variants in LARP7 are known to be pathogenic (PMID: 22865833, 26374271, 26607181).

Literature cited by the submitters: PubMed 16199547; PubMed 22865833; PubMed 26374271; PubMed 26607181.

NM_016648.4(LARP7):c.552+1G>A

Genes: LARP7 (La ribonucleoprotein 7, transcriptional regulator; plus strand), MIR302CHG (miR-302/367 cluster host gene; minus strand). Cytogenetic location: 4q25.
Variant type: single nucleotide variant.
Coding change: c.552+1G>A on transcript NM_016648.4 (MANE Select); the canonical splice donor site of the intron after coding-DNA position 552, G replaced by A.
Molecular consequence: splice donor variant. On other transcripts: non-coding transcript variant (3).
Genome position (GRCh38, 1-based): chr4:112,646,956, G>A. VCF-style: chr4-112646956-G-A. GRCh37 (hg19) VCF-style: chr4-113568112-G-A.
Other names: c.552+1G>A (NM_001267039.4, NM_001370974.1, NM_001370976.1 and 6 more transcripts); c.315+1G>A (NM_001370982.1, NM_001370981.1).
Identifiers: ClinVar variation 1476484 (VCV001476484.6), dbSNP rs200544616, ClinGen allele CA357923982.
Genomic context (GRCh38, chr4:112,646,956, plus strand): 5'-CCAAAGGGATTTGCGTTTGTGGAATTTGAAACAAAAGAACAAGCAGCAAAAGCAATTGAG[G>A]TAAGTCCAGATCCTAAAAAAAAAAAAAGAAAGAAAAGAAAACAAGTATTAAAATAGTAAC-3'